The following is an entry in ClinVar:

NM_020738.4(KIDINS220):c.4752G>A (p.Ser1584=)

Gene: KIDINS220 (kinase D interacting substrate 220; minus strand). Cytogenetic location: 2p25.1.
Variant type: single nucleotide variant.
Coding change: c.4752G>A on transcript NM_020738.4 (MANE Select); coding-DNA position 4752, G replaced by A.
Protein change: p.Ser1584=; no amino-acid change (serine 1584 retained).
Molecular consequence: synonymous variant. On other transcripts: intron variant (6).
Genome position (GRCh38, 1-based): chr2:8,731,284, C>T on the plus strand (G>A on the coding strand, the complement: KIDINS220 is on the minus strand). VCF-style: chr2-8731284-C-T. GRCh37 (hg19) VCF-style: chr2-8871414-C-T.
Other names: c.4755G>A, p.Ser1585= (NM_001348729.2); c.4698G>A, p.Ser1566= (NM_001348731.2); c.4695G>A, p.Ser1565= (NM_001348732.2); c.4584G>A, p.Ser1528= (NM_001348734.2); c.4581G>A, p.Ser1527= (NM_001348735.2); c.4455G>A, p.Ser1485= (NM_001348736.2); c.3882+2160G>A (NM_001348741.2, NM_001348742.2, NM_001348743.2); c.3996+2160G>A (NM_001348738.2); and 1 more.
Identifiers: ClinVar variation 3031699 (VCV003031699.11), dbSNP rs377453269, ClinGen allele CA1519313.

ClinVar aggregate classification (germline): Likely benign. Review status: criteria provided, multiple submitters, no conflicts (2 of 4 stars). 3 submissions from 3 submitters: Likely benign (2). 1 of the submissions does not count toward it. Last evaluated 2025-03-01.

Conditions:
KIDINS220-related disorder. Also called: KIDINS220-related condition.

Allele frequency attached by ClinVar (database versions not stated): TOPMed 0.00005; gnomAD 0.00007; gnomAD exomes 0.00010; ExAC 0.00026; 1000 Genomes Project 30x 0.00031; 1000 Genomes Project 0.00040.
gnomAD v4.1: 161 of 1,614,052 alleles (0.01%); highest among the groups gnomAD compares: East Asian, 0.096%; no homozygotes.

Submissions (3):

CeGaT Center for Human Genetics Tuebingen
Classification: Likely benign. Last evaluated: 2025-03-01. Review status: criteria provided, single submitter. Criteria: CeGaT Center For Human Genetics Tuebingen Variant Classification Criteria Version 2. Collection method: clinical testing. Allele origin: germline. Affected: yes. Observed: 1 variant allele.
Comment: KIDINS220: BP4, BP7

Labcorp Genetics (formerly Invitae), Labcorp
Classification: Likely benign. Last evaluated: 2024-04-06. Review status: criteria provided, single submitter. Criteria: Invitae Variant Classification Sherloc (09022015). Collection method: clinical testing. Allele origin: germline.

PreventionGenetics, part of Exact Sciences
Classification: Likely benign for KIDINS220-related condition. Last evaluated: 2021-11-30. Review status: no assertion criteria provided. Collection method: clinical testing. Allele origin: germline. Not counted in ClinVar's aggregate classification.
Comment: This variant is classified as likely benign based on ACMG/AMP sequence variant interpretation guidelines (Richards et al. 2015 PMID: 25741868, with internal and published modifications).